The following is an entry in ClinVar:

ClinVar aggregate classification (germline): Likely pathogenic (1 of 4 stars; one submission).

Conditions:
VPS13B-related disorder. Also called: VPS13B-related condition.

gnomAD v4.1: 2 of 1,613,928 alleles (0.00012%); highest among the groups gnomAD compares: African/African-American, 0.0013%; no homozygotes.

Submission:

PreventionGenetics, part of Exact Sciences
Classification: Likely pathogenic for VPS13B-related condition. Last evaluated: 2025-01-29. Review status: criteria provided, single submitter. Criteria: ACMG Guidelines, 2015. Collection method: clinical testing. Allele origin: germline.
Comment: The VPS13B c.9670G>T variant is predicted to result in premature protein termination (p.Glu3224*). To our knowledge, this variant has not been reported in the literature or in a large population database (gnomAD), indicating this variant is rare. Nonsense variants in VPS13B are expected to be pathogenic. This variant is interpreted as likely pathogenic.

NM_152564.5(VPS13B):c.9670G>T (p.Glu3224Ter)

Gene: VPS13B (vacuolar protein sorting 13 homolog B; plus strand). Cytogenetic location: 8q22.2.
Variant type: single nucleotide variant.
Coding change: c.9670G>T on transcript NM_152564.5 (MANE Select); coding-DNA position 9670, G replaced by T.
Protein change: p.Glu3224Ter; replaces glutamic acid 3224 with a stop codon.
Molecular consequence: nonsense.
Genome position (GRCh38, 1-based): chr8:99,835,252, G>T. VCF-style: chr8-99835252-G-T. GRCh37 (hg19) VCF-style: chr8-100847480-G-T.
Other names: c.9745G>T, p.Glu3249Ter (NM_017890.5); short protein forms E3224*, E3249*.
Identifiers: ClinVar variation 4997747 (VCV004997747.1).